The following is an entry in ClinVar:

ClinVar aggregate classification (germline): Uncertain significance (1 of 4 stars; one submission).

Conditions:
Ataxia-telangiectasia syndrome (AT). Also called: LOUIS-BAR SYNDROME; Ataxia telangiectasia (A-T); Cerebello-oculocutaneous telangiectasia; Immunodeficiency with ataxia telangiectasia; ATAXIA-TELANGIECTASIA, COMPLEMENTATION GROUP A; ATAXIA-TELANGIECTASIA, FRESNO VARIANT. Identifiers: Orphanet 100, MedGen C0004135, MONDO:0008840, OMIM 208900.

Submission:

Labcorp Genetics (formerly Invitae), Labcorp
Classification: Uncertain significance for Ataxia-telangiectasia syndrome. Last evaluated: 2022-01-27. Review status: criteria provided, single submitter. Criteria: Invitae Variant Classification Sherloc (09022015). Collection method: clinical testing. Allele origin: germline.
Comment: This variant has not been reported in the literature in individuals affected with ATM-related conditions. ClinVar contains an entry for this variant (Variation ID: 952223). Advanced modeling of protein sequence and biophysical properties (such as structural, functional, and spatial information, amino acid conservation, physicochemical variation, residue mobility, and thermodynamic stability) performed at Invitae indicates that this missense variant is not expected to disrupt ATM protein function. In summary, the available evidence is currently insufficient to determine the role of this variant in disease. Therefore, it has been classified as a Variant of Uncertain Significance. This variant is not present in population databases (gnomAD no frequency). This sequence change replaces arginine, which is basic and polar, with leucine, which is neutral and non-polar, at codon 785 of the ATM protein (p.Arg785Leu).

NM_000051.4(ATM):c.2354G>T (p.Arg785Leu)

Gene: ATM (ATM serine/threonine kinase; plus strand). Cytogenetic location: 11q22.3.
Variant type: single nucleotide variant.
Coding change: c.2354G>T on transcript NM_000051.4 (MANE Select); coding-DNA position 2354, G replaced by T.
Protein change: p.Arg785Leu; replaces arginine 785 with leucine.
Molecular consequence: missense variant.
Genome position (GRCh38, 1-based): chr11:108,257,584, G>T. VCF-style: chr11-108257584-G-T. GRCh37 (hg19) VCF-style: chr11-108128311-G-T.
Other names: c.2354G>T, p.Arg785Leu (NM_001351834.2); short protein forms R785L.
Identifiers: ClinVar variation 952223 (VCV000952223.9), dbSNP rs587782128, ClinGen allele CA382540290.